The following is an entry in ClinVar:

ClinVar aggregate classification (germline): Uncertain significance. Review status: criteria provided, multiple submitters, no conflicts (2 of 4 stars). 2 submissions from 2 submitters: Uncertain significance (2). Last evaluated 2022-06-07.

Conditions:
Inborn genetic diseases. Identifiers: MedGen C0950123, MeSH D030342.

Allele frequency attached by ClinVar (database versions not stated): gnomAD exomes below 0.00001; ExAC 0.00001.
gnomAD v4.1: 1 of 1,613,774 alleles (0.000062%); highest among the groups gnomAD compares: South Asian, 0.0011%; no homozygotes.

Submissions (2):

Ambry Genetics
Classification: Uncertain significance for Inborn genetic diseases. Last evaluated: 2022-06-07. Review status: criteria provided, single submitter. Criteria: Ambry Variant Classification Scheme 2023. Collection method: clinical testing. Allele origin: germline.

Labcorp Genetics (formerly Invitae), Labcorp
Classification: Uncertain significance. Last evaluated: 2022-05-03. Review status: criteria provided, single submitter. Criteria: Invitae Variant Classification Sherloc (09022015). Collection method: clinical testing. Allele origin: germline.
Comment: In summary, the available evidence is currently insufficient to determine the role of this variant in disease. Therefore, it has been classified as a Variant of Uncertain Significance. Algorithms developed to predict the effect of missense changes on protein structure and function are either unavailable or do not agree on the potential impact of this missense change (SIFT: "Deleterious"; PolyPhen-2: "Benign"; Align-GVGD: "Class C0"). This variant has not been reported in the literature in individuals affected with KIAA1549-related conditions. This variant is present in population databases (rs768704413, gnomAD 0.003%). This sequence change replaces threonine, which is neutral and polar, with isoleucine, which is neutral and non-polar, at codon 959 of the KIAA1549 protein (p.Thr959Ile).

NM_001164665.2(KIAA1549):c.2876C>T (p.Thr959Ile)

Gene: KIAA1549 (KIAA1549; minus strand). Cytogenetic location: 7q34.
Variant type: single nucleotide variant.
Coding change: c.2876C>T on transcript NM_001164665.2 (MANE Select); coding-DNA position 2876, C replaced by T.
Protein change: p.Thr959Ile; replaces threonine 959 with isoleucine.
Molecular consequence: missense variant.
Genome position (GRCh38, 1-based): chr7:138,916,750, G>A on the plus strand (C>T on the coding strand, the complement: KIAA1549 is on the minus strand). VCF-style: chr7-138916750-G-A. GRCh37 (hg19) VCF-style: chr7-138601496-G-A.
Other names: c.2876C>T, p.Thr959Ile (NM_020910.3); short protein forms T959I.
Identifiers: ClinVar variation 2103646 (VCV002103646.5), dbSNP rs768704413, ClinGen allele CA4506392.